The following is an entry in ClinVar:

NM_014946.4(SPAST):c.1536+1G>A

Gene: SPAST (spastin; plus strand). Cytogenetic location: 2p22.3.
Variant type: single nucleotide variant.
Coding change: c.1536+1G>A on transcript NM_014946.4 (MANE Select); the canonical splice donor site of the intron after coding-DNA position 1536, G replaced by A.
Molecular consequence: splice donor variant.
Genome position (GRCh38, 1-based): chr2:32,141,947, G>A. VCF-style: chr2-32141947-G-A. GRCh37 (hg19) VCF-style: chr2-32367016-G-A.
Other names: c.1440+1G>A (NM_199436.2, NM_001377959.1); c.1533+1G>A (NM_001363823.2); c.1437+1G>A (NM_001363875.2).
Identifiers: ClinVar variation 2203047 (VCV002203047.4), dbSNP rs1553319095, ClinGen allele CA346503025.

ClinVar aggregate classification (germline): Pathogenic (1 of 4 stars; one submission).

Conditions:
Hereditary spastic paraplegia 4. Also called: Familial spastic paraplegia autosomal dominant 2; Spastic paraplegia 4, autosomal dominant; Spastic Paraplegia 4. Identifiers: Orphanet 100985, MedGen C1866855, MONDO:0008438, OMIM 182601.

Submission:

Labcorp Genetics (formerly Invitae), Labcorp
Classification: Pathogenic for Hereditary spastic paraplegia 4. Last evaluated: 2021-12-09. Review status: criteria provided, single submitter. Criteria: Invitae Variant Classification Sherloc (09022015). Collection method: clinical testing. Allele origin: germline.
Comment: This sequence change affects a donor splice site in intron 13 of the SPAST gene. It is expected to disrupt RNA splicing. Variants that disrupt the donor or acceptor splice site typically lead to a loss of protein function (PMID: 16199547), and loss-of-function variants in SPAST are known to be pathogenic (PMID: 20932283). This variant is not present in population databases (gnomAD no frequency). For these reasons, this variant has been classified as Pathogenic. Algorithms developed to predict the effect of sequence changes on RNA splicing suggest that this variant may disrupt the consensus splice site. Disruption of this splice site has been observed in individuals with hereditary spastic paraplegia (PMID: 10699187, 27084228).

Literature cited by the submitters: PubMed 16199547; PubMed 20932283; PubMed 10699187; PubMed 27084228.